The following is an entry in ClinVar:

ClinVar aggregate classification (germline): Uncertain significance (1 of 4 stars; one submission).

Conditions:
PLXNA1-related disorder. Also called: PLXNA1-related condition.

gnomAD v4.1: 20 of 1,613,538 alleles (0.0012%); highest among the groups gnomAD compares: South Asian, 0.0055%; no homozygotes.

Submission:

PreventionGenetics, part of Exact Sciences
Classification: Uncertain significance for PLXNA1-related condition. Last evaluated: 2025-09-03. Review status: criteria provided, single submitter. Criteria: ACMG Guidelines, 2015. Collection method: clinical testing. Allele origin: germline.
Comment: The PLXNA1 c.751C>T variant is predicted to result in the amino acid substitution p.Arg251Cys. To our knowledge, this variant has not been reported in the literature. This variant is reported in 0.013% of alleles in individuals of South Asian descent in gnomAD. At this time, the clinical significance of this variant is uncertain due to the absence of conclusive functional and genetic evidence.

NM_032242.4(PLXNA1):c.751C>T (p.Arg251Cys)

Gene: PLXNA1 (plexin A1; plus strand). Cytogenetic location: 3q21.3.
Variant type: single nucleotide variant.
Coding change: c.751C>T on transcript NM_032242.4 (MANE Select); coding-DNA position 751, C replaced by T.
Protein change: p.Arg251Cys; replaces arginine 251 with cysteine.
Molecular consequence: missense variant.
Genome position (GRCh38, 1-based): chr3:126,989,344, C>T. VCF-style: chr3-126989344-C-T. GRCh37 (hg19) VCF-style: chr3-126708187-C-T.
Other names: short protein forms R251C.
Identifiers: ClinVar variation 4987035 (VCV004987035.1).